The following is an entry in ClinVar:

ClinVar aggregate classification (germline): Pathogenic (1 of 4 stars; one submission).

Conditions:
Familial cancer of breast. Also called: Hereditary breast cancer; BREAST CANCER, FAMILIAL; hereditary breast carcinoma. Identifiers: Orphanet 227535, MedGen C0346153, MONDO:0016419, OMIM 114480. Disease mechanism: loss of function.

Submission:

Myriad Genetics, Inc.
Classification: Pathogenic for Familial cancer of breast. Last evaluated: 2023-06-07. Review status: criteria provided, single submitter. Criteria: Myriad Autosomal Dominant, Autosomal Recessive and X-Linked Classification Criteria (2023). Collection method: clinical testing. Allele origin: unknown.
Comment: This variant is considered pathogenic. This variant creates a frameshift predicted to result in premature protein truncation.

NM_032043.3(BRIP1):c.2835_2838del (p.Glu945fs)

Gene: BRIP1 (BRCA1 interacting DNA helicase 1; minus strand). Cytogenetic location: 17q23.2.
Variant type: Deletion.
Coding change: c.2835_2838del on transcript NM_032043.3 (MANE Select); coding-DNA positions 2835 to 2838, 4 bases deleted (ACTA; older notation c.2835_2838delACTA).
Protein change: p.Glu945fs; shifts the reading frame from glutamic acid 945.
Molecular consequence: frameshift variant.
Genome position (GRCh38, 1-based): chr17:61,685,903-61,685,906, TAGT deleted on the plus strand (ACTA on the coding strand, the reverse complement: BRIP1 is on the minus strand); deleting any 4 consecutive bases within chr17:61,685,903-61,685,907 gives the same sequence; the c. name uses the placement nearest the transcript's 3' end. VCF-style (leftmost placement, unchanged base first): chr17-61685902-GTAGT-G. GRCh37 (hg19) VCF-style: chr17-59763263-GTAGT-G.
Other names: short protein forms E945fs.
Identifiers: ClinVar variation 2583364 (VCV002583364.2), dbSNP rs2544570407, ClinGen allele CA2582342316.